The following is an entry in ClinVar:

NM_015114.3(ANKLE2):c.1130C>T (p.Pro377Leu)

Gene: ANKLE2 (ankyrin repeat and LEM domain containing 2; minus strand). Cytogenetic location: 12q24.33.
Variant type: single nucleotide variant.
Coding change: c.1130C>T on transcript NM_015114.3 (MANE Select); coding-DNA position 1130, C replaced by T.
Protein change: p.Pro377Leu; replaces proline 377 with leucine.
Molecular consequence: missense variant.
Genome position (GRCh38, 1-based): chr12:132,747,932, G>A on the plus strand (C>T on the coding strand, the complement: ANKLE2 is on the minus strand). VCF-style: chr12-132747932-G-A. GRCh37 (hg19) VCF-style: chr12-133324518-G-A.
Other names: c.1130C>T (NM_015114.1); short protein forms P377L.
Identifiers: ClinVar variation 1341647 (VCV001341647.4), dbSNP rs377650820, ClinGen allele CA6895752.

ClinVar aggregate classification (germline): Uncertain significance. Review status: criteria provided, multiple submitters, no conflicts (2 of 4 stars). 3 submissions from 3 submitters: Uncertain significance (3). Last evaluated 2025-09-28.

Conditions:
ANKLE2-related disorder. Also called: ANKLE2-related condition.
Inborn genetic diseases. Identifiers: MedGen C0950123, MeSH D030342.

Allele frequency attached by ClinVar (database versions not stated): gnomAD exomes 0.00002 and 0.00003; ExAC 0.00003; TOPMed 0.00012; ESP Exome Variant Server 0.00015; gnomAD 0.00015 and 0.00017.
gnomAD v4.1: 43 of 1,600,744 alleles (0.0027%); highest among the groups gnomAD compares: African/African-American, 0.046%; no homozygotes.

Submissions (3):

Ambry Genetics
Classification: Uncertain significance for Inborn genetic diseases. Last evaluated: 2025-09-28. Review status: criteria provided, single submitter. Criteria: Ambry Variant Classification Scheme 2023. Collection method: clinical testing. Allele origin: germline.

PreventionGenetics, part of Exact Sciences
Classification: Uncertain significance for ANKLE2-related condition. Last evaluated: 2025-04-11. Review status: criteria provided, single submitter. Criteria: ACMG Guidelines, 2015. Collection method: clinical testing. Allele origin: germline.
Comment: The ANKLE2 c.1130C>T variant is predicted to result in the amino acid substitution p.Pro377Leu. To our knowledge, this variant has not been reported in the literature. This variant is reported in 0.042% of alleles in individuals of African descent in gnomAD. At this time, the clinical significance of this variant is uncertain due to the absence of conclusive functional and genetic evidence.

GeneDx
Classification: Uncertain significance. Last evaluated: 2022-02-09. Review status: criteria provided, single submitter. Criteria: GeneDx Variant Classification Process June 2021. Collection method: clinical testing. Allele origin: germline. Affected: yes.
Comment: In silico analysis supports that this missense variant has a deleterious effect on protein structure/function; Has not been previously published as pathogenic or benign to our knowledge